The following is an entry in ClinVar:

ClinVar aggregate classification (germline): Uncertain significance. Review status: criteria provided, multiple submitters, no conflicts (2 of 4 stars). 3 submissions from 3 submitters: Uncertain significance (3). Last evaluated 2025-11-24.

Conditions:
SHORT syndrome. Also called: LIPODYSTROPHY, PARTIAL, WITH RIEGER ANOMALY AND SHORT STATURE; PIK3R1-Related SHORT Syndrome; SHORT STATURE, HYPEREXTENSIBILITY, HERNIA, OCULAR DEPRESSION, RIEGER ANOMALY, AND TEETHING DELAY. Identifiers: Orphanet 3163, MedGen C0878684, MONDO:0010026, OMIM 269880.
Agammaglobulinemia 7, autosomal recessive (AGM7). Also called: AGAMMAGLOBULINEMIA, AUTOSOMAL RECESSIVE, DUE TO PIK3R1 DEFECT. Identifiers: MedGen C3554689, MONDO:0014083, OMIM 615214.
Immunodeficiency 36 with lymphoproliferation. Also called: Immunodeficiency 36; ACTIVATED PI3K-DELTA SYNDROME 2; Activated PI3K Delta Syndrome Type 2 (APDS2). Identifiers: Orphanet 397596, Orphanet 693681, MedGen C4014934, MONDO:0014453, OMIM 616005.

gnomAD v4.1: 8 of 1,613,962 alleles (0.0005%); highest among the groups gnomAD compares: Non-Finnish European, 0.00068%; no homozygotes.

Submissions (3):

Labcorp Genetics (formerly Invitae), Labcorp
Classification: Uncertain significance for SHORT syndrome; Immunodeficiency 36 with lymphoproliferation; Agammaglobulinemia 7, autosomal recessive. Last evaluated: 2025-11-24. Review status: criteria provided, single submitter. Criteria: Invitae Variant Classification Sherloc (09022015). Collection method: clinical testing. Allele origin: germline.
Comment: This sequence change replaces glycine, which is neutral and non-polar, with alanine, which is neutral and non-polar, at codon 35 of the PIK3R1 protein (p.Gly35Ala). This variant is not present in population databases (gnomAD no frequency). This variant has not been reported in the literature in individuals affected with PIK3R1-related conditions. ClinVar contains an entry for this variant (Variation ID: 1396161). An algorithm developed to predict the effect of missense changes on protein structure and function (PolyPhen-2) suggests that this variant is likely to be tolerated. In summary, the available evidence is currently insufficient to determine the role of this variant in disease. Therefore, it has been classified as a Variant of Uncertain Significance.

ARUP Laboratories, Molecular Genetics and Genomics, ARUP Laboratories
Classification: Uncertain significance. Last evaluated: 2025-07-10. Review status: criteria provided, single submitter. Criteria: ARUP Molecular Germline Variant Investigation Process 2024. Collection method: clinical testing. Allele origin: germline.
Comment: The PIK3R1 c.104G>C; p.Gly35Ala variant (rs1017086766), to our knowledge, is not reported in the medical literature but is reported in ClinVar (Variation ID: 1396161). This variant is absent from the Genome Aggregation Database (v2.1.1), indicating it is not a common polymorphism. Computational analyses predict that this variant is neutral (REVEL: 0.114). However, given the lack of clinical and functional data, the significance of this variant is uncertain at this time.

GeneDx
Classification: Uncertain significance. Last evaluated: 2022-04-19. Review status: criteria provided, single submitter. Criteria: GeneDx Variant Classification Process June 2021. Collection method: clinical testing. Allele origin: germline. Affected: yes.
Comment: Not observed at significant frequency in large population cohorts (gnomAD); In silico analysis supports that this missense variant does not alter protein structure/function; Has not been previously published as pathogenic or benign to our knowledge

NM_181523.3(PIK3R1):c.104G>C (p.Gly35Ala)

Gene: PIK3R1 (phosphoinositide-3-kinase regulatory subunit 1; plus strand). Cytogenetic location: 5q13.1.
Variant type: single nucleotide variant.
Coding change: c.104G>C on transcript NM_181523.3 (MANE Select); coding-DNA position 104, G replaced by C.
Protein change: p.Gly35Ala; replaces glycine 35 with alanine.
Molecular consequence: missense variant.
Genome position (GRCh38, 1-based): chr5:68,226,779, G>C. VCF-style: chr5-68226779-G-C. GRCh37 (hg19) VCF-style: chr5-67522607-G-C.
Other names: short protein forms G35A.
Identifiers: ClinVar variation 1396161 (VCV001396161.8), dbSNP rs1017086766, ClinGen allele CA120629741.
Genomic context (GRCh38, chr5:68,226,779, plus strand): 5'-AAAAGGAAAGAGAAGAAGATATTGACTTGCACTTGGGTGACATATTGACTGTGAATAAAG[G>C]GTCCTTAGTAGCTCTTGGATTCAGTGATGGACAGGAAGCCAGGCCTGAAGAAATTGGCTG-3'
Protein context (NP_852664.1, residues 25-45): HLGDILTVNK[Gly35Ala]SLVALGFSDG